The following is an entry in ClinVar:

NM_024642.5(GALNT12):c.339G>A (p.Leu113=)

Gene: GALNT12 (polypeptide N-acetylgalactosaminyltransferase 12; plus strand). Cytogenetic location: 9q22.33.
Variant type: single nucleotide variant.
Coding change: c.339G>A on transcript NM_024642.5 (MANE Select); coding-DNA position 339, G replaced by A.
Protein change: p.Leu113=; no amino-acid change (leucine 113 retained).
Molecular consequence: synonymous variant.
Genome position (GRCh38, 1-based): chr9:98,808,037, G>A. VCF-style: chr9-98808037-G-A. GRCh37 (hg19) VCF-style: chr9-101570319-G-A.
Identifiers: ClinVar variation 1118682 (VCV001118682.12), dbSNP rs1269120223, ClinGen allele CA466647637.
Genomic context (GRCh38, chr9:98,808,037, plus strand): 5'-GCAGGAGGAGAGCGTGCGGCTGCACCAGATTAACATCTACCTCAGCGACCGCATCTCACT[G>A]CACCGCCGCCTGCCCGAGCGCTGGAACCCGCTGTGAGTGCACAGCTCTGGGGAGGAAGCC-3'
Protein context (NP_078918.3, residues 103-123): INIYLSDRIS[Leu113=]HRRLPERWNP

ClinVar aggregate classification (germline): Benign/Likely benign. Review status: criteria provided, multiple submitters, no conflicts (2 of 4 stars). 3 submissions from 3 submitters: Benign (1); Likely benign (2). Last evaluated 2026-04-23.

Conditions:
Colorectal cancer, susceptibility to, 1. Also called: COLORECTAL ADENOMA AND CANCER, SUSCEPTIBILITY TO; COLORECTAL CANCER, SUSCEPTIBILITY TO, ON CHROMOSOME 9. Identifiers: MedGen C1837315, MONDO:0012132, OMIM 608812.

Allele frequency attached by ClinVar (database versions not stated): gnomAD exomes below 0.00001.

Submissions (3):

Myriad Genetics, Inc.
Classification: Benign for Colorectal cancer, susceptibility to, 1. Last evaluated: 2026-04-23. Review status: criteria provided, single submitter. Criteria: Myriad Autosomal Dominant, Autosomal Recessive and X-Linked Classification Criteria (2023). Collection method: clinical testing. Allele origin: unknown.
Comment: This variant is considered benign. This variant is a silent/synonymous amino acid change and it is not expected to impact splicing.

Ambry Genetics
Classification: Likely benign. Last evaluated: 2022-06-12. Review status: criteria provided, single submitter. Criteria: Ambry Variant Classification Scheme 2023. Collection method: clinical testing. Allele origin: germline.

Labcorp Genetics (formerly Invitae), Labcorp
Classification: Likely benign. Last evaluated: 2021-08-12. Review status: criteria provided, single submitter. Criteria: Invitae Variant Classification Sherloc (09022015). Collection method: clinical testing. Allele origin: germline.